The following is an entry in ClinVar:

NM_000093.5(COL5A1):c.656G>A (p.Gly219Asp)

Gene: COL5A1 (collagen type V alpha 1 chain; plus strand). Cytogenetic location: 9q34.3.
Variant type: single nucleotide variant.
Coding change: c.656G>A on transcript NM_000093.5 (MANE Select); coding-DNA position 656, G replaced by A.
Protein change: p.Gly219Asp; replaces glycine 219 with aspartic acid.
Molecular consequence: missense variant.
Genome position (GRCh38, 1-based): chr9:134,727,267, G>A. VCF-style: chr9-134727267-G-A. GRCh37 (hg19) VCF-style: chr9-137619113-G-A.
Other names: c.656G>A, p.Gly219Asp (NM_001278074.1); short protein forms G219D.
Identifiers: ClinVar variation 4718857 (VCV004718857.1).
Genomic context (GRCh38, chr9:134,727,267, plus strand): 5'-CAGGTCCCCATGCGAGTGCTCTGTGAGCTGCTTTTTCATGAGCGTCTCTTCTTTTCCAGG[G>A]TGACATCCAGCAGCTGCTCTTTGTCTCGGACCACCGGGCAGCTTATGATTACTGTGAGCA-3'
Protein context (NP_000084.3, residues 209-229): TRILDEEVFE[Gly219Asp]DIQQLLFVSD

ClinVar aggregate classification (germline): Uncertain significance (1 of 4 stars; one submission).

Conditions:
Ehlers-Danlos syndrome, classic type, 1 (EDSCL1). Also called: EHLERS-DANLOS SYNDROME, GRAVIS TYPE; EHLERS-DANLOS SYNDROME, SEVERE CLASSIC TYPE; Ehlers-Danlos syndrome, type 1; Ehlers-Danlos Syndrome, Classic Type, COL5A1-Related; EDS I. Identifiers: MedGen C0268335, MONDO:0019567, OMIM 130000.

Submission:

Labcorp Genetics (formerly Invitae), Labcorp
Classification: Uncertain significance for Ehlers-Danlos syndrome, classic type, 1. Last evaluated: 2025-05-11. Review status: criteria provided, single submitter. Criteria: Invitae Variant Classification Sherloc (09022015). Collection method: clinical testing. Allele origin: germline.
Comment: This sequence change replaces glycine, which is neutral and non-polar, with aspartic acid, which is acidic and polar, at codon 219 of the COL5A1 protein (p.Gly219Asp). This variant is not present in population databases (gnomAD no frequency). This variant has not been reported in the literature in individuals affected with COL5A1-related conditions. An algorithm developed to predict the effect of missense changes on protein structure and function (PolyPhen-2) suggests that this variant is likely to be disruptive. In summary, the available evidence is currently insufficient to determine the role of this variant in disease. Therefore, it has been classified as a Variant of Uncertain Significance.